The following is an entry in ClinVar:

NM_000064.4(C3):c.4100T>C (p.Ile1367Thr)

Gene: C3 (complement C3; minus strand). Cytogenetic location: 19p13.3.
Variant type: single nucleotide variant.
Coding change: c.4100T>C on transcript NM_000064.4 (MANE Select); coding-DNA position 4100, T replaced by C.
Protein change: p.Ile1367Thr; replaces isoleucine 1367 with threonine.
Molecular consequence: missense variant.
Genome position (GRCh38, 1-based): chr19:6,684,580, A>G on the plus strand (T>C on the coding strand, the complement: C3 is on the minus strand). VCF-style: chr19-6684580-A-G. GRCh37 (hg19) VCF-style: chr19-6684591-A-G.
Other names: short protein forms I1367T.
Identifiers: ClinVar variation 636934 (VCV000636934.41), dbSNP rs11569541, ClinGen allele CA9128528.

ClinVar aggregate classification (germline): Conflicting classifications of pathogenicity. Review status: criteria provided, conflicting classifications (1 of 4 stars). 7 submissions from 7 submitters: Uncertain significance (1); Benign (2); Likely benign (4). Last evaluated 2026-05-01.

Conditions:
C3 glomerulonephritis. Also called: C3 GLOMERULOPATHY 3; Nephropathy due to CFHR5 Deficiency. Identifiers: Orphanet 329931, MedGen C4055342, MONDO:0013892, OMIM 614809.
Atypical hemolytic-uremic syndrome. Identifiers: Orphanet 2134, MedGen C2931788, MONDO:0016244.
Complement component 3 deficiency. Identifiers: Orphanet 280133, MedGen C3151071, MONDO:0013417, OMIM 613779.

Allele frequency attached by ClinVar (database versions not stated): ExAC 0.00078; gnomAD 0.00226; TOPMed 0.00310; ESP Exome Variant Server 0.00354; 1000 Genomes Project 0.00459; 1000 Genomes Project 30x 0.00500.
gnomAD v4.1: 744 of 1,613,974 alleles (0.046%); highest among the groups gnomAD compares: African/African-American, 0.86%; 4 homozygotes.

Submissions (7):

CeGaT Center for Human Genetics Tuebingen
Classification: Likely benign. Last evaluated: 2026-05-01. Review status: criteria provided, single submitter. Criteria: CeGaT Center For Human Genetics Tuebingen Variant Classification Criteria Version 2. Collection method: clinical testing. Allele origin: germline. Affected: yes. Observed: 4 variant alleles.
Comment: C3: BP4, BS2

Women's Health and Genetics/Laboratory Corporation of America, LabCorp
Classification: Likely benign. Last evaluated: 2026-01-30. Review status: criteria provided, single submitter. Criteria: LabCorp Variant Classification Summary - May 2015. Collection method: clinical testing. Allele origin: germline.
Comment: Variant summary: C3 c.4100T>C (p.Ile1367Thr) results in a non-conservative amino acid change in the encoded protein sequence. Algorithms developed to predict the effect of missense changes on protein structure and function are either unavailable or do not agree on the potential impact of this missense change. The variant allele was found at a frequency of 0.00063 in 251496 control chromosomes, predominantly at a frequency of 0.0084 within the African or African-American subpopulation in the gnomAD database, including 1 homozygote. The observed variant frequency within African or African-American control individuals in the gnomAD database exceeds the estimated maximal expected allele frequency for disease-causing variants in C3. To our knowledge, no occurrence of c.4100T>C in individuals affected with C3-related conditions and no experimental evidence demonstrating its impact on protein function have been reported. ClinVar contains an entry for this variant (Variation ID: 636934). Based on the evidence outlined above, the variant was classified as likely benign.

Labcorp Genetics (formerly Invitae), Labcorp
Classification: Likely benign. Last evaluated: 2026-01-18. Review status: criteria provided, single submitter. Criteria: Invitae Variant Classification Sherloc (09022015). Collection method: clinical testing. Allele origin: germline.

Genomenon, Inc
Classification: Benign for Complement component 3 deficiency; C3 glomerulonephritis; Atypical hemolytic-uremic syndrome. Last evaluated: 2025-09-30. Review status: criteria provided, single submitter. Criteria: Genomenon Sequence Variant Interpretation Standards. Collection method: curation. Allele origin: germline. Affected: no.
Comment: C3 p.Ile1367Thr (c.4100T>C) is a missense variant that changes the amino acid at residue 1367 from Isoleucine to Threonine. This variant has been reported in the published literature (PMID:36626252;27939104). This variant is present at high allele frequency in population databases. In conclusion, we classify C3 p.Ile1367Thr (c.4100T>C) as a benign variant.

Mayo Clinic Laboratories, Mayo Clinic
Classification: Likely benign. Last evaluated: 2025-09-29. Review status: criteria provided, single submitter. Criteria: ACMG Guidelines, 2015. Collection method: clinical testing. Allele origin: germline. Observed: 24 variant alleles.
Comment: BS1, BP4_moderate

Blueprint Genetics
Classification: Uncertain significance. Last evaluated: 2024-09-02. Review status: criteria provided, single submitter. Criteria: ACMG Guidelines, 2015. Collection method: clinical testing. Allele origin: germline.

Genetic Services Laboratory, University of Chicago
Classification: Benign. Last evaluated: 2019-05-14. Review status: criteria provided, single submitter. Criteria: ACMG Guidelines, 2015. Collection method: clinical testing. Allele origin: germline. Affected: no.

Literature cited by the submitters: PubMed 36626252 (cited by Genomenon, Inc); PubMed 27939104 (cited by Genomenon, Inc); PubMed 27646857 (cited by Mayo Clinic Laboratories, Mayo Clinic).